The following is an entry in ClinVar:

NM_000821.7(GGCX):c.277C>T (p.Leu93Phe)

Gene: GGCX (gamma-glutamyl carboxylase; minus strand). Cytogenetic location: 2p11.2.
Variant type: single nucleotide variant.
Coding change: c.277C>T on transcript NM_000821.7 (MANE Select); coding-DNA position 277, C replaced by T.
Protein change: p.Leu93Phe; replaces leucine 93 with phenylalanine.
Molecular consequence: missense variant.
Genome position (GRCh38, 1-based): chr2:85,559,013, G>A on the plus strand (C>T on the coding strand, the complement: GGCX is on the minus strand). VCF-style: chr2-85559013-G-A. GRCh37 (hg19) VCF-style: chr2-85786136-G-A.
Other names: c.106C>T, p.Leu36Phe (NM_001142269.4); c.277C>T, p.Leu93Phe (NM_001311312.3); short protein forms L93F, L36F.
Identifiers: ClinVar variation 4770927 (VCV004770927.1).

ClinVar aggregate classification (germline): Uncertain significance (1 of 4 stars; one submission).

Submission:

Labcorp Genetics (formerly Invitae), Labcorp
Classification: Uncertain significance. Last evaluated: 2026-01-14. Review status: criteria provided, single submitter. Criteria: Invitae Variant Classification Sherloc (09022015). Collection method: clinical testing. Allele origin: germline.
Comment: This sequence change replaces leucine, which is neutral and non-polar, with phenylalanine, which is neutral and non-polar, at codon 93 of the GGCX protein (p.Leu93Phe). This variant is not present in population databases (gnomAD no frequency). This variant has not been reported in the literature in individuals affected with GGCX-related conditions. Invitae Evidence Modeling of protein sequence and biophysical properties (such as structural, functional, and spatial information, amino acid conservation, physicochemical variation, residue mobility, and thermodynamic stability) indicates that this missense variant is not expected to disrupt GGCX protein function with a negative predictive value of 80%. In summary, the available evidence is currently insufficient to determine the role of this variant in disease. Therefore, it has been classified as a Variant of Uncertain Significance.